The following is an entry in ClinVar:

NM_002335.4(LRP5):c.381_382insCC (p.Glu128fs)

Gene: LRP5 (LDL receptor related protein 5; plus strand). Cytogenetic location: 11q13.2.
Variant type: Insertion.
Coding change: c.381_382insCC on transcript NM_002335.4 (MANE Select); coding-DNA positions 381 to 382, CC inserted.
Protein change: p.Glu128fs; shifts the reading frame from glutamic acid 128.
Molecular consequence: frameshift variant. On other transcripts: 5 prime UTR variant (1).
Genome position: GRCh38 VCF-style: chr11-68348136-A-ACC. GRCh37 (hg19) VCF-style: chr11-68115604-A-ACC.
Other names: c.-1385_-1384insCC (NM_001291902.2); short protein forms E128fs.
Identifiers: ClinVar variation 2105327 (VCV002105327.4), dbSNP rs2496384636, ClinGen allele CA2580084715.

ClinVar aggregate classification (germline): Pathogenic (1 of 4 stars; one submission).

Submission:

Labcorp Genetics (formerly Invitae), Labcorp
Classification: Pathogenic. Last evaluated: 2022-03-01. Review status: criteria provided, single submitter. Criteria: Invitae Variant Classification Sherloc (09022015). Collection method: clinical testing. Allele origin: germline.
Comment: This sequence change creates a premature translational stop signal (p.Glu128Profs*74) in the LRP5 gene. It is expected to result in an absent or disrupted protein product. Loss-of-function variants in LRP5 are known to be pathogenic (PMID: 11719191, 16252235, 25711638). This variant is not present in population databases (gnomAD no frequency). This variant has not been reported in the literature in individuals affected with LRP5-related conditions. For these reasons, this variant has been classified as Pathogenic.

Literature cited by the submitters: PubMed 11719191; PubMed 16252235; PubMed 25711638.